The following is an entry in ClinVar:

ClinVar aggregate classification (germline): Uncertain significance (1 of 4 stars; one submission).

Submission:

Labcorp Genetics (formerly Invitae), Labcorp
Classification: Uncertain significance. Last evaluated: 2022-12-25. Review status: criteria provided, single submitter. Criteria: Invitae Variant Classification Sherloc (09022015). Collection method: clinical testing. Allele origin: germline.
Comment: In summary, the available evidence is currently insufficient to determine the role of this variant in disease. Therefore, it has been classified as a Variant of Uncertain Significance. Algorithms developed to predict the effect of sequence changes on RNA splicing suggest that this variant may create or strengthen a splice site. This variant has been observed in individual(s) with focal segmental glomerulosclerosis (Invitae). This variant is not present in population databases (gnomAD no frequency). This sequence change affects codon 253 of the TRPC6 mRNA. It is a 'silent' change, meaning that it does not change the encoded amino acid sequence of the TRPC6 protein.

NM_004621.6(TRPC6):c.759C>T (p.Cys253=)

Gene: TRPC6 (transient receptor potential cation channel subfamily C member 6; minus strand). Cytogenetic location: 11q22.1.
Variant type: single nucleotide variant.
Coding change: c.759C>T on transcript NM_004621.6 (MANE Select); coding-DNA position 759, C replaced by T.
Protein change: p.Cys253=; no amino-acid change (cysteine 253 retained).
Molecular consequence: synonymous variant.
Genome position (GRCh38, 1-based): chr11:101,504,210, G>A on the plus strand (C>T on the coding strand, the complement: TRPC6 is on the minus strand). VCF-style: chr11-101504210-G-A. GRCh37 (hg19) VCF-style: chr11-101374941-G-A.
Identifiers: ClinVar variation 2824043 (VCV002824043.3), dbSNP rs2496222758, ClinGen allele CA476505814.